The following is an entry in ClinVar:

ClinVar aggregate classification (germline): Uncertain significance. Review status: criteria provided, multiple submitters, no conflicts (2 of 4 stars). 2 submissions from 2 submitters: Uncertain significance (2). Last evaluated 2022-06-20.

gnomAD v4.1: 2 of 1,191,044 alleles (0.00017%); highest among the groups gnomAD compares: East Asian, 0.003%; no homozygotes.

Submissions (2):

Labcorp Genetics (formerly Invitae), Labcorp
Classification: Uncertain significance. Last evaluated: 2022-06-20. Review status: criteria provided, single submitter. Criteria: Invitae Variant Classification Sherloc (09022015). Collection method: clinical testing. Allele origin: germline.
Comment: In summary, the available evidence is currently insufficient to determine the role of this variant in disease. Therefore, it has been classified as a Variant of Uncertain Significance. Algorithms developed to predict the effect of missense changes on protein structure and function (SIFT, PolyPhen-2, Align-GVGD) all suggest that this variant is likely to be tolerated. This variant has not been reported in the literature in individuals affected with CACNA1F-related conditions. The frequency data for this variant in the population databases is considered unreliable, as metrics indicate poor data quality at this position in the gnomAD database. This sequence change replaces aspartic acid, which is acidic and polar, with asparagine, which is neutral and polar, at codon 484 of the CACNA1F protein (p.Asp484Asn).

Blueprint Genetics
Classification: Uncertain significance. Last evaluated: 2021-05-17. Review status: criteria provided, single submitter. Criteria: ACMG Guidelines, 2015. Collection method: clinical testing. Allele origin: germline.

NM_001256789.3(CACNA1F):c.1417G>A (p.Asp473Asn)

Gene: CACNA1F (calcium voltage-gated channel subunit alpha1 F; minus strand). Cytogenetic location: Xp11.23.
Variant type: single nucleotide variant.
Coding change: c.1417G>A on transcript NM_001256789.3 (MANE Select); coding-DNA position 1417, G replaced by A.
Protein change: p.Asp473Asn; replaces aspartic acid 473 with asparagine.
Molecular consequence: missense variant.
Genome position (GRCh38, 1-based): chrX:49,226,455, C>T on the plus strand (G>A on the coding strand, the complement: CACNA1F is on the minus strand). VCF-style: chrX-49226455-C-T. GRCh37 (hg19) VCF-style: chrX-49082917-C-T.
Other names: c.1255G>A, p.Asp419Asn (NM_001256790.3); c.1450G>A, p.Asp484Asn (NM_005183.4); short protein forms D419N, D473N, D484N.
Identifiers: ClinVar variation 1495671 (VCV001495671.7), dbSNP rs782709793, ClinGen allele CA10410876.